The following is an entry in ClinVar:

ClinVar aggregate classification (germline): Uncertain significance. Review status: criteria provided, multiple submitters, no conflicts (2 of 4 stars). 2 submissions from 2 submitters: Uncertain significance (2). Last evaluated 2026-06-30.

Conditions:
Cardiovascular phenotype. Identifiers: MedGen CN230736.
Hypertrophic cardiomyopathy. Also called: HYPERTROPHIC MYOCARDIOPATHY. Identifiers: Orphanet 217569, MedGen C0007194, MeSH D002312, MONDO:0005045, HP:0001639.

Submissions (2):

Ambry Genetics
Classification: Uncertain significance for Cardiovascular phenotype. Last evaluated: 2026-06-30. Review status: criteria provided, single submitter. Criteria: Ambry Variant Classification Scheme 2023. Collection method: clinical testing. Allele origin: germline.
Comment: The c.418A>C (p.K140Q) alteration is located in exon 7 (coding exon 7) of the TNNI3 gene. This alteration results from an A to C substitution at nucleotide position 418, causing the lysine (K) at amino acid position 140 to be replaced by a glutamine (Q). This variant was not reported in population-based cohorts in the Genome Aggregation Database (gnomAD). This amino acid position is highly conserved in available vertebrate species. This alteration is predicted to be deleterious by in silico analysis. Based on insufficient or conflicting evidence, the clinical significance of this alteration remains unclear.

Labcorp Genetics (formerly Invitae), Labcorp
Classification: Uncertain significance for Hypertrophic cardiomyopathy. Last evaluated: 2023-06-19. Review status: criteria provided, single submitter. Criteria: Invitae Variant Classification Sherloc (09022015). Collection method: clinical testing. Allele origin: germline.
Comment: This sequence change replaces lysine, which is basic and polar, with glutamine, which is neutral and polar, at codon 140 of the TNNI3 protein (p.Lys140Gln). This variant is not present in population databases (gnomAD no frequency). This variant has not been reported in the literature in individuals affected with TNNI3-related conditions. An algorithm developed to predict the effect of missense changes on protein structure and function (PolyPhen-2) suggests that this variant is likely to be tolerated. In summary, the available evidence is currently insufficient to determine the role of this variant in disease. Therefore, it has been classified as a Variant of Uncertain Significance.

NM_000363.5(TNNI3):c.418A>C (p.Lys140Gln)

Gene: TNNI3 (troponin I3, cardiac type; minus strand). Cytogenetic location: 19q13.42.
Variant type: single nucleotide variant.
Coding change: c.418A>C on transcript NM_000363.5 (MANE Select); coding-DNA position 418, A replaced by C.
Protein change: p.Lys140Gln; replaces lysine 140 with glutamine.
Molecular consequence: missense variant.
Genome position (GRCh38, 1-based): chr19:55,154,161, T>G on the plus strand (A>C on the coding strand, the complement: TNNI3 is on the minus strand). VCF-style: chr19-55154161-T-G. GRCh37 (hg19) VCF-style: chr19-55665529-T-G.
Other names: short protein forms K140Q.
Identifiers: ClinVar variation 2847615 (VCV002847615.4), dbSNP rs2515498553, ClinGen allele CA407440610.